The following is an entry in ClinVar:

ClinVar aggregate classification (germline): Uncertain significance (1 of 4 stars; one submission).

Submission:

GeneDx
Classification: Uncertain significance. Last evaluated: 2025-07-11. Review status: criteria provided, single submitter. Criteria: GeneDx Variant Classification Process June 2021. Collection method: clinical testing. Allele origin: germline. Affected: yes.
Comment: Not observed at significant frequency in large population cohorts (gnomAD); In silico analysis suggests that this missense variant does not alter protein structure/function; Has not been previously published as pathogenic or benign to our knowledge

NM_001379291.1(BRD4):c.122C>T (p.Ala41Val)

Gene: BRD4 (bromodomain containing 4; minus strand). Cytogenetic location: 19p13.12.
Variant type: single nucleotide variant.
Coding change: c.122C>T on transcript NM_001379291.1 (MANE Select); coding-DNA position 122, C replaced by T.
Protein change: p.Ala41Val; replaces alanine 41 with valine.
Molecular consequence: missense variant.
Genome position (GRCh38, 1-based): chr19:15,272,978, G>A on the plus strand (C>T on the coding strand, the complement: BRD4 is on the minus strand). VCF-style: chr19-15272978-G-A. GRCh37 (hg19) VCF-style: chr19-15383789-G-A.
Other names: c.122C>T, p.Ala41Val (NM_001330384.2, NM_001379292.1, NM_014299.3 and 1 more transcripts); short protein forms A41V.
Identifiers: ClinVar variation 4685354 (VCV004685354.1).